The following is an entry in ClinVar:

ClinVar aggregate classification (germline): Uncertain significance (1 of 4 stars; one submission).

Conditions:
Microphthalmia with brain and digit anomalies (MCOPS6). Also called: MICROPHTHALMIA AND PITUITARY ANOMALIES; Microphthalmia, syndromic 6. Identifiers: Orphanet 139471, MedGen C1864689, MONDO:0011936, OMIM 607932.
Orofacial cleft 11 (OFC11). Also called: Orofacial cleft 11; ofc11; CLEFT LIP WITH OR WITHOUT CLEFT PALATE, NONSYNDROMIC, 11. Identifiers: MedGen C2677434, MONDO:0010906, OMIM 600625.

Allele frequency attached by ClinVar (database versions not stated): ExAC 0.00001.
gnomAD v4.1: 2 of 1,614,168 alleles (0.00012%); highest among the groups gnomAD compares: Admixed American, 0.0017%; no homozygotes.

Submission:

Labcorp Genetics (formerly Invitae), Labcorp
Classification: Uncertain significance for Microphthalmia with brain and digit anomalies; Orofacial cleft 11. Last evaluated: 2022-12-05. Review status: criteria provided, single submitter. Criteria: Invitae Variant Classification Sherloc (09022015). Collection method: clinical testing. Allele origin: germline.
Comment: In summary, the available evidence is currently insufficient to determine the role of this variant in disease. Therefore, it has been classified as a Variant of Uncertain Significance. Advanced modeling of protein sequence and biophysical properties (such as structural, functional, and spatial information, amino acid conservation, physicochemical variation, residue mobility, and thermodynamic stability) performed at Invitae indicates that this missense variant is not expected to disrupt BMP4 protein function. This variant has not been reported in the literature in individuals affected with BMP4-related conditions. This variant is present in population databases (rs763439953, gnomAD 0.003%). This sequence change replaces phenylalanine, which is neutral and non-polar, with leucine, which is neutral and non-polar, at codon 57 of the BMP4 protein (p.Phe57Leu).

NM_001202.6(BMP4):c.171C>G (p.Phe57Leu)

Gene: BMP4 (bone morphogenetic protein 4; minus strand). Cytogenetic location: 14q22.2.
Variant type: single nucleotide variant.
Coding change: c.171C>G on transcript NM_001202.6 (MANE Select); coding-DNA position 171, C replaced by G.
Protein change: p.Phe57Leu; replaces phenylalanine 57 with leucine.
Molecular consequence: missense variant. On other transcripts: 5 prime UTR variant (3).
Genome position (GRCh38, 1-based): chr14:53,952,052, G>C on the plus strand (C>G on the coding strand, the complement: BMP4 is on the minus strand). VCF-style: chr14-53952052-G-C. GRCh37 (hg19) VCF-style: chr14-54418770-G-C.
Other names: c.312C>G, p.Phe104Leu (NM_001347912.1); c.-19C>G (NM_001347913.2, NM_001347915.2, NM_001347917.1); c.171C>G, p.Phe57Leu (NM_001347914.2, NM_001347916.1, NM_130850.5 and 1 more transcripts); short protein forms F104L, F57L.
Identifiers: ClinVar variation 2935982 (VCV002935982.3), dbSNP rs763439953, ClinGen allele CA7191817.